The following is an entry in ClinVar:

ClinVar aggregate classification (germline): Likely pathogenic (1 of 4 stars; one submission).

Conditions:
Dilated cardiomyopathy 1G (CMD1G). Identifiers: Orphanet 154, MedGen C1858763, MONDO:0011400, OMIM 604145.
Autosomal recessive limb-girdle muscular dystrophy type 2J (LGMDR10). Also called: Limb-girdle muscular dystrophy, type 2J; MUSCULAR DYSTROPHY, LIMB-GIRDLE, AUTOSOMAL RECESSIVE 10. Identifiers: Orphanet 140922, MedGen C1837342, MONDO:0012127, OMIM 608807.

Allele frequency attached by ClinVar (database versions not stated): gnomAD exomes 0.00001; ExAC 0.00002.
gnomAD v4.1: 6 of 1,601,846 alleles (0.00037%); highest among the groups gnomAD compares: Non-Finnish European, 0.00043%; no homozygotes.

Submission:

Labcorp Genetics (formerly Invitae), Labcorp
Classification: Likely pathogenic for Dilated cardiomyopathy 1G; Autosomal recessive limb-girdle muscular dystrophy type 2J. Last evaluated: 2024-10-18. Review status: criteria provided, single submitter. Criteria: Invitae Variant Classification Sherloc (09022015). Collection method: clinical testing. Allele origin: germline.
Comment: This sequence change affects a donor splice site in intron 99 of the TTN gene. It is expected to disrupt RNA splicing and likely results in a truncated or disrupted TTN protein. This variant is present in population databases (rs774225594, gnomAD 0.002%). This variant has not been reported in the literature in individuals affected with TTN-related conditions. Algorithms developed to predict the effect of sequence changes on RNA splicing suggest that this variant may disrupt the consensus splice site. This variant is located in the I band of TTN (PMID: 25589632). Truncating variants in this region have been reported in individuals affected with autosomal recessive centronuclear myopathy (PMID: 23975875, internal data). Truncating variants in this region have also been identified in individuals affected with autosomal dominant dilated cardiomyopathy and/or cardio-related conditions (PMID: 27869827, 32964742, internal data). In summary, the currently available evidence indicates that the variant is pathogenic, but additional data are needed to prove that conclusively. Therefore, this variant has been classified as Likely Pathogenic.

Literature cited by the submitters: PubMed 25589632; PubMed 23975875; PubMed 27869827; PubMed 32964742.

NM_001267550.2(TTN):c.28753+1G>A

Gene: TTN (titin; minus strand). Cytogenetic location: 2q31.2.
Variant type: single nucleotide variant.
Coding change: c.28753+1G>A on transcript NM_001267550.2 (MANE Select); the canonical splice donor site of the intron after coding-DNA position 28753, G replaced by A.
Molecular consequence: splice donor variant. On other transcripts: intron variant (3).
Genome position (GRCh38, 1-based): chr2:178,709,565, C>T on the plus strand (G>A on the coding strand, the complement: TTN is on the minus strand). VCF-style: chr2-178709565-C-T. GRCh37 (hg19) VCF-style: chr2-179574292-C-T.
Other names: c.13282+28517G>A (NM_003319.4); c.13858+28517G>A (NM_133437.4); c.13657+28517G>A (NM_133432.3); c.25021+1G>A (NM_133378.4); c.27802+1G>A (NM_001256850.1).
Identifiers: ClinVar variation 2941100 (VCV002941100.3), dbSNP rs774225594, ClinGen allele CA1999539.